The following is an entry in ClinVar:

ClinVar aggregate classification (germline): Conflicting classifications of pathogenicity. Review status: criteria provided, conflicting classifications (1 of 4 stars). 2 submissions from 2 submitters: Uncertain significance (1); Likely benign (1). Last evaluated 2026-02-06.

Conditions:
Hereditary cancer-predisposing syndrome. Also called: Hereditary Cancer Syndrome; Tumor predisposition; Neoplastic Syndromes, Hereditary; Hereditary neoplastic syndrome. Identifiers: Orphanet 140162, MedGen C0027672, MeSH D009386, MONDO:0015356.
DICER1-related tumor predisposition. Also called: DICER1 syndrome; DICER1-related pleuropulmonary blastoma cancer predisposition syndrome. Identifiers: Orphanet 284343, MedGen C3839822, MONDO:0100216.

Allele frequency attached by ClinVar (database versions not stated): gnomAD exomes below 0.00001.

Submissions (2):

Ambry Genetics
Classification: Uncertain significance for Hereditary cancer-predisposing syndrome. Last evaluated: 2026-02-06. Review status: criteria provided, single submitter. Criteria: Ambry Variant Classification Scheme 2023. Collection method: clinical testing. Allele origin: germline.
Comment: The c.904-5T>G intronic variant results from a T to G substitution 5 nucleotides upstream from coding exon 7 in the DICER1 gene. This nucleotide position is well conserved in available vertebrate species. In silico splice site analysis predicts that this alteration will not have any significant effect on splicing. Based on the available evidence, the clinical significance of this variant remains unclear.

Labcorp Genetics (formerly Invitae), Labcorp
Classification: Likely benign for DICER1-related tumor predisposition. Last evaluated: 2024-02-24. Review status: criteria provided, single submitter. Criteria: Invitae Variant Classification Sherloc (09022015). Collection method: clinical testing. Allele origin: germline.

NM_177438.3(DICER1):c.904-5T>G

Gene: DICER1 (dicer 1, ribonuclease III; minus strand). Cytogenetic location: 14q32.13.
Variant type: single nucleotide variant.
Coding change: c.904-5T>G on transcript NM_177438.3 (MANE Select); 5 bases into the intron before coding-DNA position 904, T replaced by G.
Molecular consequence: intron variant.
Genome position (GRCh38, 1-based): chr14:95,124,673, A>C on the plus strand (T>G on the coding strand, the complement: DICER1 is on the minus strand). VCF-style: chr14-95124673-A-C. GRCh37 (hg19) VCF-style: chr14-95591010-A-C.
Other names: c.904-5T>G (NM_001291628.2, NM_030621.4, NM_001271282.3 and 1 more transcripts).
Identifiers: ClinVar variation 822940 (VCV000822940.12), dbSNP rs1379402448, ClinGen allele CA615846329.
Genomic context (GRCh38, chr14:95,124,673, plus strand): 5'-TTATCTGCACACCAGGGTCCCAGAACTACCAATACGGCACGACAGTCTGATAGTATCTAC[A>C]AAAAAAAGAAAAGAAAAAACCTAATGCCAAATAATAATAATGTAGCATTTTCATGTGGGG-3'